The following is an entry in ClinVar:

NM_032043.3(BRIP1):c.743T>C (p.Phe248Ser)

Gene: BRIP1 (BRCA1 interacting DNA helicase 1; minus strand). Cytogenetic location: 17q23.2.
Variant type: single nucleotide variant.
Coding change: c.743T>C on transcript NM_032043.3 (MANE Select); coding-DNA position 743, T replaced by C.
Protein change: p.Phe248Ser; replaces phenylalanine 248 with serine.
Molecular consequence: missense variant.
Genome position (GRCh38, 1-based): chr17:61,808,642, A>G on the plus strand (T>C on the coding strand, the complement: BRIP1 is on the minus strand). VCF-style: chr17-61808642-A-G. GRCh37 (hg19) VCF-style: chr17-59886003-A-G.
Other names: short protein forms F248S.
Identifiers: ClinVar variation 835235 (VCV000835235.10), dbSNP rs2078112912, ClinGen allele CA400485004.

ClinVar aggregate classification (germline): Uncertain significance. Review status: criteria provided, multiple submitters, no conflicts (2 of 4 stars). 2 submissions from 2 submitters: Uncertain significance (2). Last evaluated 2022-02-24.

Conditions:
Familial cancer of breast. Also called: BREAST CANCER, FAMILIAL; hereditary breast carcinoma; Hereditary breast cancer. Identifiers: Orphanet 227535, MedGen C0346153, MONDO:0016419, OMIM 114480. Disease mechanism: loss of function.
Fanconi anemia complementation group J. Also called: BRIP1-Related Fanconi Anemia. Identifiers: Orphanet 84, MedGen C1836860, MONDO:0012187, OMIM 609054.

Submissions (2):

Labcorp Genetics (formerly Invitae), Labcorp
Classification: Uncertain significance for Familial cancer of breast; Fanconi anemia complementation group J. Last evaluated: 2022-02-24. Review status: criteria provided, single submitter. Criteria: Invitae Variant Classification Sherloc (09022015). Collection method: clinical testing. Allele origin: germline.
Comment: ClinVar contains an entry for this variant (Variation ID: 835235). This variant has not been reported in the literature in individuals affected with BRIP1-related conditions. This variant is not present in population databases (gnomAD no frequency). This sequence change replaces phenylalanine, which is neutral and non-polar, with serine, which is neutral and polar, at codon 248 of the BRIP1 protein (p.Phe248Ser). Algorithms developed to predict the effect of missense changes on protein structure and function (SIFT, PolyPhen-2, Align-GVGD) all suggest that this variant is likely to be disruptive. In summary, the available evidence is currently insufficient to determine the role of this variant in disease. Therefore, it has been classified as a Variant of Uncertain Significance.

GeneDx
Classification: Uncertain significance. Last evaluated: 2019-06-26. Review status: criteria provided, single submitter. Criteria: GeneDx Variant Classification Process June 2021. Collection method: clinical testing. Allele origin: germline. Affected: yes.
Comment: Not observed in large population cohorts (Lek et al., 2016); In silico analysis, which includes protein predictors and evolutionary conservation, supports a deleterious effect; Has not been previously published as pathogenic or benign to our knowledge